The following is an entry in ClinVar:

ClinVar aggregate classification (germline): Uncertain significance (1 of 4 stars; one submission).

gnomAD v4.1: 1 of 1,603,768 alleles (0.000062%); highest among the groups gnomAD compares: African/African-American, 0.0013%; no homozygotes.

Submission:

Ambry Genetics
Classification: Uncertain significance. Last evaluated: 2024-09-16. Review status: criteria provided, single submitter. Criteria: Ambry Variant Classification Scheme 2023. Collection method: clinical testing. Allele origin: germline.
Comment: The p.P161S variant (also known as c.481C>T), located in coding exon 6 of the BUB1 gene, results from a C to T substitution at nucleotide position 481. The proline at codon 161 is replaced by serine, an amino acid with similar properties. This amino acid position is conserved. In addition, this alteration is predicted to be tolerated by in silico analysis. Based on the available evidence, the clinical significance of this variant remains unclear.

NM_004336.5(BUB1):c.481C>T (p.Pro161Ser)

Gene: BUB1 (BUB1 mitotic checkpoint serine/threonine kinase; minus strand). Cytogenetic location: 2q13.
Variant type: single nucleotide variant.
Coding change: c.481C>T on transcript NM_004336.5 (MANE Select); coding-DNA position 481, C replaced by T.
Protein change: p.Pro161Ser; replaces proline 161 with serine.
Molecular consequence: missense variant.
Genome position (GRCh38, 1-based): chr2:110,669,539, G>A on the plus strand (C>T on the coding strand, the complement: BUB1 is on the minus strand). VCF-style: chr2-110669539-G-A. GRCh37 (hg19) VCF-style: chr2-111427116-G-A.
Other names: c.421C>T, p.Pro141Ser (NM_001278616.2); c.481C>T, p.Pro161Ser (NM_001278617.2); short protein forms P141S, P161S.
Identifiers: ClinVar variation 3483058 (VCV003483058.1).